The following is an entry in ClinVar:

ClinVar aggregate classification (germline): Uncertain significance (1 of 4 stars; one submission).

Allele frequency attached by ClinVar (database versions not stated): gnomAD exomes 0.00001.
gnomAD v4.1: 10 of 1,614,102 alleles (0.00062%); highest among the groups gnomAD compares: Non-Finnish European, 0.00085%; no homozygotes.

Submission:

Labcorp Genetics (formerly Invitae), Labcorp
Classification: Uncertain significance. Last evaluated: 2023-05-24. Review status: criteria provided, single submitter. Criteria: Invitae Variant Classification Sherloc (09022015). Collection method: clinical testing. Allele origin: germline.
Comment: The frequency data for this variant in the population databases is considered unreliable, as metrics indicate poor data quality at this position in the gnomAD database. In summary, the available evidence is currently insufficient to determine the role of this variant in disease. Therefore, it has been classified as a Variant of Uncertain Significance. Algorithms developed to predict the effect of missense changes on protein structure and function output the following: SIFT: "Not Available"; PolyPhen-2: "Benign"; Align-GVGD: "Not Available". The aspartic acid amino acid residue is found in multiple mammalian species, which suggests that this missense change does not adversely affect protein function. This variant has not been reported in the literature in individuals affected with ANKZF1-related conditions. This sequence change replaces glycine, which is neutral and non-polar, with aspartic acid, which is acidic and polar, at codon 292 of the ANKZF1 protein (p.Gly292Asp).

NM_018089.3(ANKZF1):c.875G>A (p.Gly292Asp)

Gene: ANKZF1 (ankyrin repeat and zinc finger peptidyl tRNA hydrolase 1; plus strand). Cytogenetic location: 2q35.
Variant type: single nucleotide variant.
Coding change: c.875G>A on transcript NM_018089.3 (MANE Select); coding-DNA position 875, G replaced by A.
Protein change: p.Gly292Asp; replaces glycine 292 with aspartic acid.
Molecular consequence: missense variant.
Genome position (GRCh38, 1-based): chr2:219,233,770, G>A. VCF-style: chr2-219233770-G-A. GRCh37 (hg19) VCF-style: chr2-220098492-G-A.
Other names: c.875G>A, p.Gly292Asp (NM_001042410.2); c.245G>A, p.Gly82Asp (NM_001282792.2); short protein forms G292D, G82D.
Identifiers: ClinVar variation 2799602 (VCV002799602.3), dbSNP rs976578764, ClinGen allele CA65971103.